The following is an entry in ClinVar:

NM_000465.4(BARD1):c.1324C>A (p.Pro442Thr)

Gene: BARD1 (BRCA1 associated RING domain 1; minus strand). Cytogenetic location: 2q35.
Variant type: single nucleotide variant.
Coding change: c.1324C>A on transcript NM_000465.4 (MANE Select); coding-DNA position 1324, C replaced by A.
Protein change: p.Pro442Thr; replaces proline 442 with threonine.
Molecular consequence: missense variant. On other transcripts: non-coding transcript variant (3), intron variant (3).
Genome position (GRCh38, 1-based): chr2:214,769,303, G>T on the plus strand (C>A on the coding strand, the complement: BARD1 is on the minus strand). VCF-style: chr2-214769303-G-T. GRCh37 (hg19) VCF-style: chr2-215634027-G-T.
Other names: c.1324C>A (NM_000465.2); c.1267C>A, p.Pro423Thr (NM_001282543.2); c.159-16748C>A (NM_001282548.2); c.216-16748C>A (NM_001282545.2); c.364+22994C>A (NM_001282549.2); short protein forms P423T, P442T.
Identifiers: ClinVar variation 926798 (VCV000926798.6), dbSNP rs1403432043, ClinGen allele CA350450528.

ClinVar aggregate classification (germline): Uncertain significance. Review status: criteria provided, multiple submitters, no conflicts (2 of 4 stars). 3 submissions from 3 submitters: Uncertain significance (3). Last evaluated 2026-07-07.

Conditions:
Hereditary cancer-predisposing syndrome. Also called: Neoplastic Syndromes, Hereditary; Hereditary Cancer Syndrome; Tumor predisposition; Hereditary neoplastic syndrome. Identifiers: Orphanet 140162, MedGen C0027672, MeSH D009386, MONDO:0015356.
Familial cancer of breast. Also called: Hereditary breast cancer; BREAST CANCER, FAMILIAL; hereditary breast carcinoma. Identifiers: Orphanet 227535, MedGen C0346153, MONDO:0016419, OMIM 114480. Disease mechanism: loss of function.

Submissions (3):

Ambry Genetics
Classification: Uncertain significance for Hereditary cancer-predisposing syndrome. Last evaluated: 2026-07-07. Review status: criteria provided, single submitter. Criteria: Ambry Variant Classification Scheme 2023. Collection method: clinical testing. Allele origin: germline.
Comment: The p.P442T variant (also known as c.1324C>A), located in coding exon 5 of the BARD1 gene, results from a C to A substitution at nucleotide position 1324. The proline at codon 442 is replaced by threonine, an amino acid with highly similar properties. This amino acid position is conserved. In addition, this alteration is predicted to be tolerated by in silico analysis. Based on the available evidence, the clinical significance of this variant remains unclear.

Labcorp Genetics (formerly Invitae), Labcorp
Classification: Uncertain significance for Familial cancer of breast. Last evaluated: 2025-04-13. Review status: criteria provided, single submitter. Criteria: Invitae Variant Classification Sherloc (09022015). Collection method: clinical testing. Allele origin: germline.
Comment: This sequence change replaces proline, which is neutral and non-polar, with threonine, which is neutral and polar, at codon 442 of the BARD1 protein (p.Pro442Thr). This variant is not present in population databases (gnomAD no frequency). This variant has not been reported in the literature in individuals affected with BARD1-related conditions. ClinVar contains an entry for this variant (Variation ID: 926798). An algorithm developed to predict the effect of missense changes on protein structure and function (PolyPhen-2) suggests that this variant is likely to be tolerated. In summary, the available evidence is currently insufficient to determine the role of this variant in disease. Therefore, it has been classified as a Variant of Uncertain Significance.

Color Diagnostics, LLC DBA Color Health
Classification: Uncertain significance for Hereditary cancer-predisposing syndrome. Last evaluated: 2024-03-06. Review status: criteria provided, single submitter. Criteria: ACMG Guidelines, 2015. Collection method: clinical testing. Allele origin: germline.
Comment: This missense variant replaces proline with threonine at codon 442 of the BARD1 protein. Computational prediction suggests that this variant may not impact protein structure and function (internally defined REVEL score threshold <= 0.5, PMID: 27666373). Splice site prediction tools suggest that this variant may not impact RNA splicing. To our knowledge, functional studies have not been performed for this variant. This variant has not been reported in individuals affected with hereditary cancer in the literature. This variant has not been identified in the general population by the Genome Aggregation Database (gnomAD). The available evidence is insufficient to determine the role of this variant in disease conclusively. Therefore, this variant is classified as a Variant of Uncertain Significance.